The following is an entry in ClinVar:

ClinVar aggregate classification (germline): Uncertain significance (1 of 4 stars; one submission).

Allele frequency attached by ClinVar (database versions not stated): gnomAD exomes below 0.00001.
gnomAD v4.1: 1 of 1,550,540 alleles (0.000064%); highest among the groups gnomAD compares: Non-Finnish European, 0.000089%; no homozygotes.

Submission:

Labcorp Genetics (formerly Invitae), Labcorp
Classification: Uncertain significance. Last evaluated: 2022-02-04. Review status: criteria provided, single submitter. Criteria: Invitae Variant Classification Sherloc (09022015). Collection method: clinical testing. Allele origin: germline.
Comment: In summary, the available evidence is currently insufficient to determine the role of this variant in disease. Therefore, it has been classified as a Variant of Uncertain Significance. Algorithms developed to predict the effect of missense changes on protein structure and function output the following: SIFT: "Tolerated"; PolyPhen-2: "Benign"; Align-GVGD: "Class C0". The threonine amino acid residue is found in multiple mammalian species, which suggests that this missense change does not adversely affect protein function. This sequence change replaces methionine, which is neutral and non-polar, with threonine, which is neutral and polar, at codon 368 of the CPAMD8 protein (p.Met368Thr). This variant has not been reported in the literature in individuals affected with CPAMD8-related conditions. This variant is not present in population databases (gnomAD no frequency).

NM_015692.5(CPAMD8):c.962T>C (p.Met321Thr)

Gene: CPAMD8 (C3 and PZP like alpha-2-macroglobulin domain containing 8; minus strand). Cytogenetic location: 19p13.11.
Variant type: single nucleotide variant.
Coding change: c.962T>C on transcript NM_015692.5 (MANE Select); coding-DNA position 962, T replaced by C.
Protein change: p.Met321Thr; replaces methionine 321 with threonine.
Molecular consequence: missense variant. On other transcripts: non-coding transcript variant (1).
Genome position (GRCh38, 1-based): chr19:16,997,244, A>G on the plus strand (T>C on the coding strand, the complement: CPAMD8 is on the minus strand). VCF-style: chr19-16997244-A-G. GRCh37 (hg19) VCF-style: chr19-17108054-A-G.
Other names: short protein forms M321T.
Identifiers: ClinVar variation 2092687 (VCV002092687.4), dbSNP rs2513379452, ClinGen allele CA404658963.